The following is an entry in ClinVar:

ClinVar aggregate classification (germline): Pathogenic. Review status: criteria provided, multiple submitters, no conflicts (2 of 4 stars). 2 submissions from 2 submitters: Pathogenic (2). Last evaluated 2024-04-03.

Conditions:
Neurofibromatosis, type 1 (NF1). Also called: VON RECKLINGHAUSEN DISEASE; NEUROFIBROMATOSIS, TYPE I, SOMATIC; Peripheral type neurofibromatosis; Neurofibromatosis, type I. Identifiers: Orphanet 636, MedGen C0027831, MONDO:0018975, OMIM 162200. Disease mechanism: loss of function.

Submissions (2):

GeneDx
Classification: Pathogenic. Last evaluated: 2024-04-03. Review status: criteria provided, single submitter. Criteria: GeneDx Variant Classification Process June 2021. Collection method: clinical testing. Allele origin: germline. Affected: yes.
Comment: Frameshift variant predicted to result in protein truncation or nonsense mediated decay in a gene for which loss of function is a known mechanism of disease; Not observed at significant frequency in large population cohorts (gnomAD); This variant is associated with the following publications: (PMID: 30014477)

Labcorp Genetics (formerly Invitae), Labcorp
Classification: Pathogenic for Neurofibromatosis, type 1. Last evaluated: 2018-12-13. Review status: criteria provided, single submitter. Criteria: Invitae Variant Classification Sherloc (09022015). Collection method: clinical testing. Allele origin: germline.
Comment: This sequence change creates a premature translational stop signal (p.His1507Ilefs*46) in the NF1 gene. It is expected to result in an absent or disrupted protein product. This variant is not present in population databases (ExAC no frequency). This variant has been reported in individuals in the Leiden Open-source Variation Database (PMID: 21520333). Loss-of-function variants in NF1 are known to be pathogenic (PMID: 10712197, 23913538). For these reasons, this variant has been classified as Pathogenic.

Literature cited by the submitters: PubMed 21520333 (cited by Labcorp Genetics (formerly Invitae), Labcorp); PubMed 10712197 (cited by Labcorp Genetics (formerly Invitae), Labcorp); PubMed 23913538 (cited by Labcorp Genetics (formerly Invitae), Labcorp).

NM_001042492.3(NF1):c.4581del (p.His1528fs)

Gene: NF1 (neurofibromin 1; plus strand). Cytogenetic location: 17q11.2.
Variant type: Deletion.
Coding change: c.4581del on transcript NM_001042492.3 (MANE Select); coding-DNA position 4581, one base deleted (T; older notation c.4581delT).
Protein change: p.His1528fs; shifts the reading frame from histidine 1528.
Molecular consequence: frameshift variant.
Genome position (GRCh38, 1-based): chr17:31,261,714, T deleted. VCF-style (leftmost placement, unchanged base first): chr17-31261713-AT-A. GRCh37 (hg19) VCF-style: chr17-29588731-AT-A.
Other names: c.4518delT, p.His1507Ilefs (NM_000267.4); short protein forms H1528fs, H1507fs.
Identifiers: ClinVar variation 665381 (VCV000665381.6), dbSNP rs1597748682, ClinGen allele CA915949661.